The following is an entry in ClinVar:

NM_004990.4(MARS1):c.2491G>C (p.Val831Leu)

Gene: MARS1 (methionyl-tRNA synthetase 1; plus strand). Cytogenetic location: 12q13.3.
Variant type: single nucleotide variant.
Coding change: c.2491G>C on transcript NM_004990.4 (MANE Select); coding-DNA position 2491, G replaced by C.
Protein change: p.Val831Leu; replaces valine 831 with leucine.
Molecular consequence: missense variant.
Genome position (GRCh38, 1-based): chr12:57,516,272, G>C. VCF-style: chr12-57516272-G-C. GRCh37 (hg19) VCF-style: chr12-57910055-G-C.
Other names: short protein forms V831L.
Identifiers: ClinVar variation 4789810 (VCV004789810.1).

ClinVar aggregate classification (germline): Uncertain significance (1 of 4 stars; one submission).

Conditions:
Severe early-onset pulmonary alveolar proteinosis due to MARS deficiency. Also called: PULMONARY ALVEOLAR PROTEINOSIS, REUNION ISLAND; Interstitial lung and liver disease. Identifiers: Orphanet 440427, MedGen C4225400, MONDO:0014206, OMIM 615486.
Charcot-Marie-Tooth disease axonal type 2U. Also called: CHARCOT-MARIE-TOOTH NEUROPATHY, TYPE 2U; CHARCOT-MARIE-TOOTH DISEASE, AXONAL, AUTOSOMAL DOMINANT, TYPE 2U. Identifiers: Orphanet 397735, MedGen C4084821, MONDO:0014566, OMIM 616280.

gnomAD v4.1: 4 of 1,614,224 alleles (0.00025%); highest among the groups gnomAD compares: Non-Finnish European, 0.00034%; no homozygotes.

Submission:

Labcorp Genetics (formerly Invitae), Labcorp
Classification: Uncertain significance for Charcot-Marie-Tooth disease axonal type 2U; Severe early-onset pulmonary alveolar proteinosis due to MARS deficiency. Last evaluated: 2025-12-29. Review status: criteria provided, single submitter. Criteria: Invitae Variant Classification Sherloc (09022015). Collection method: clinical testing. Allele origin: germline.
Comment: This sequence change replaces valine, which is neutral and non-polar, with leucine, which is neutral and non-polar, at codon 831 of the MARS protein (p.Val831Leu). This variant is not present in population databases (gnomAD no frequency). This variant has not been reported in the literature in individuals affected with MARS-related conditions. An algorithm developed to predict the effect of missense changes on protein structure and function (PolyPhen-2) suggests that this variant is likely to be tolerated. In summary, the available evidence is currently insufficient to determine the role of this variant in disease. Therefore, it has been classified as a Variant of Uncertain Significance.